The following is an entry in ClinVar:

NM_001370259.2(MEN1):c.1632A>G (p.Pro544=)

Gene: MEN1 (menin 1; minus strand). Cytogenetic location: 11q13.1.
Variant type: single nucleotide variant.
Coding change: c.1632A>G on transcript NM_001370259.2 (MANE Select); coding-DNA position 1632, A replaced by G.
Protein change: p.Pro544=; no amino-acid change (proline 544 retained).
Molecular consequence: synonymous variant. On other transcripts: non-coding transcript variant (4).
Genome position (GRCh38, 1-based): chr11:64,804,535, T>C on the plus strand (A>G on the coding strand, the complement: MEN1 is on the minus strand). VCF-style: chr11-64804535-T-C. GRCh37 (hg19) VCF-style: chr11-64572007-T-C.
Other names: c.1647A>G, p.Pro549= (NM_000244.4, NM_001407145.1, NM_130800.3 and 4 more transcripts); c.1758A>G, p.Pro586= (NM_001370251.2, NM_001407142.1, NM_001407143.1 and 1 more transcripts); c.1632A>G, p.Pro544= (NM_001370260.2, NM_001370261.2, NM_001407146.1 and 2 more transcripts); c.1527A>G, p.Pro509= (NM_001370262.2, NM_001370263.2, NM_001407148.1 and 1 more transcripts); c.1773A>G, p.Pro591= (NM_001407150.1); c.1653A>G, p.Pro551= (NM_001407151.1); c.1467A>G, p.Pro489= (NM_001407152.1).
Identifiers: ClinVar variation 2450243 (VCV002450243.7), dbSNP rs1440375091, ClinGen allele CA475163645.

ClinVar aggregate classification (germline): Benign/Likely benign. Review status: criteria provided, multiple submitters, no conflicts (2 of 4 stars). 4 submissions from 4 submitters: Benign (1); Likely benign (3). Last evaluated 2024-11-05.

Conditions:
Multiple endocrine neoplasia, type 1 (MEN1). Also called: MEN I; WERMER SYNDROME; MEA I; Endocrine adenomatosis multiple; MEN 1. Identifiers: Orphanet 652, MedGen C0025267, MeSH D018761, MONDO:0007540, OMIM 131100.
Hereditary cancer-predisposing syndrome. Also called: Hereditary neoplastic syndrome; Tumor predisposition; Neoplastic Syndromes, Hereditary; Hereditary Cancer Syndrome. Identifiers: Orphanet 140162, MedGen C0027672, MeSH D009386, MONDO:0015356.

Submissions (4):

Myriad Genetics, Inc.
Classification: Benign for Multiple endocrine neoplasia, type 1. Last evaluated: 2024-11-05. Review status: criteria provided, single submitter. Criteria: Myriad Autosomal Dominant, Autosomal Recessive and X-Linked Classification Criteria (2023). Collection method: clinical testing. Allele origin: unknown.
Comment: This variant is considered benign. This variant is a silent/synonymous amino acid change and it is not expected to impact splicing.

All of Us Research Program, National Institutes of Health
Classification: Likely benign for Multiple endocrine neoplasia, type 1. Last evaluated: 2023-05-04. Review status: criteria provided, single submitter. Criteria: ACMG Guidelines, 2015. Collection method: clinical testing. Allele origin: germline. Inheritance: Autosomal dominant inheritance. Observed: 1 variant allele, 1 heterozygote.
Comment: This study involves interpretation of variants in research participants for the purpose of population health screening. Participant phenotype was not available at the time of variant classification. Additional details can be found in publication PMID: 35346344, PMCID: PMC8962531

Labcorp Genetics (formerly Invitae), Labcorp
Classification: Likely benign for Multiple endocrine neoplasia, type 1. Last evaluated: 2023-04-14. Review status: criteria provided, single submitter. Criteria: Invitae Variant Classification Sherloc (09022015). Collection method: clinical testing. Allele origin: germline.

Ambry Genetics
Classification: Likely benign for Hereditary cancer-predisposing syndrome. Last evaluated: 2023-03-03. Review status: criteria provided, single submitter. Criteria: Ambry Variant Classification Scheme 2023. Collection method: clinical testing. Allele origin: germline.